The following is an entry in ClinVar:

ClinVar aggregate classification (germline): Uncertain significance (1 of 4 stars; one submission).

Conditions:
Charcot-Marie-Tooth disease type 2. Also called: Charcot-Marie-Tooth type 2. Identifiers: Orphanet 64746, MedGen C0270914, MONDO:0018993.

Submission:

Labcorp Genetics (formerly Invitae), Labcorp
Classification: Uncertain significance for Charcot-Marie-Tooth disease type 2. Last evaluated: 2018-12-14. Review status: criteria provided, single submitter. Criteria: Invitae Variant Classification Sherloc (09022015). Collection method: clinical testing. Allele origin: germline.
Comment: Algorithms developed to predict the effect of sequence changes on RNA splicing suggest that this variant may disrupt the consensus splice site, but this prediction has not been confirmed by published transcriptional studies. In summary, the available evidence is currently insufficient to determine the role of this variant in disease. Therefore, it has been classified as a Variant of Uncertain Significance. This variant has not been reported in the literature in individuals with MED25-related conditions. This variant is not present in population databases (ExAC no frequency). This sequence change affects codon 302 of the MED25 mRNA. It is a 'silent' change, meaning that it does not change the encoded amino acid sequence of the MED25 protein.

NM_030973.4(MED25):c.906C>G (p.Arg302=)

Gene: MED25 (mediator complex subunit 25; plus strand). Cytogenetic location: 19q13.33.
Variant type: single nucleotide variant.
Coding change: c.906C>G on transcript NM_030973.4 (MANE Select); coding-DNA position 906, C replaced by G.
Protein change: p.Arg302=; no amino-acid change (arginine 302 retained).
Molecular consequence: synonymous variant.
Genome position (GRCh38, 1-based): chr19:49,830,597, C>G. VCF-style: chr19-49830597-C-G. GRCh37 (hg19) VCF-style: chr19-50333854-C-G.
Other names: c.906C>G, p.Arg302= (NM_001378355.1).
Identifiers: ClinVar variation 645073 (VCV000645073.8), dbSNP rs1182901692, ClinGen allele CA508140982.